The following is an entry in ClinVar:

ClinVar aggregate classification (germline): Conflicting classifications of pathogenicity. Review status: criteria provided, conflicting classifications (1 of 4 stars). 6 submissions from 6 submitters: Uncertain significance (5); Likely benign (1). Last evaluated 2026-01-27.

Conditions:
Cardiovascular phenotype. Identifiers: MedGen CN230736.
Osteogenesis imperfecta type I (OI1). Also called: OI, TYPE I; OSTEOGENESIS IMPERFECTA TARDA; OSTEOGENESIS IMPERFECTA WITH BLUE SCLERAE; Osteogenesis imperfecta type 1; Lobstein disease; Lobstein's Disease. Identifiers: Orphanet 216796, Orphanet 666, MedGen C0023931, MONDO:0008146, OMIM 166200. Disease mechanism: loss of function.
COL1A1-related disorder. Also called: COL1A1- related disease; COL1A1-related condition.

Allele frequency attached by ClinVar (database versions not stated): TOPMed 0.00004.
gnomAD v4.1: 45 of 1,499,432 alleles (0.003%); highest among the groups gnomAD compares: East Asian, 0.012%; no homozygotes.

Submissions (6):

Labcorp Genetics (formerly Invitae), Labcorp
Classification: Likely benign for Osteogenesis imperfecta type I. Last evaluated: 2026-01-27. Review status: criteria provided, single submitter. Criteria: Invitae Variant Classification Sherloc (09022015). Collection method: clinical testing. Allele origin: germline.

PreventionGenetics, part of Exact Sciences
Classification: Uncertain significance for COL1A1-related condition. Last evaluated: 2025-12-07. Review status: criteria provided, single submitter. Criteria: ACMG Guidelines, 2015. Collection method: clinical testing. Allele origin: germline.
Comment: The COL1A1 c.436C>A variant is predicted to result in the amino acid substitution p.Pro146Thr. This variant was reported in an individual with osteogenesis imperfecta II and was assessed as a variant of uncertain significance (Bodian et al. 2009. PubMed ID: 18996919). It was also observed in an individual with a bleeding disorder and was assessed as likely pathogenic as the individual fulfilled clinical criteria of Ehlers-Danlos syndrome (Leinøe et al. 2017. PubMed ID: 28748566). This variant is reported in 0.0029% of alleles in individuals of European (Non-Finnish) descent in gnomAD (gnomAD v2.1.1) and in 45 heterozygous alleles in the recent database (gnomAD v4.1.0), which is likely too frequent to be a primary cause of autosomal dominant disease. At this time, the clinical significance of this variant is uncertain due to the absence of conclusive functional and genetic evidence.

Mayo Clinic Laboratories, Mayo Clinic
Classification: Uncertain significance. Last evaluated: 2025-10-08. Review status: criteria provided, single submitter. Criteria: ACMG Guidelines, 2015. Collection method: clinical testing. Allele origin: germline. Observed: 1 variant allele.
Comment: BS1

Ambry Genetics
Classification: Uncertain significance for Cardiovascular phenotype. Last evaluated: 2024-08-29. Review status: criteria provided, single submitter. Criteria: Ambry Variant Classification Scheme 2023. Collection method: clinical testing. Allele origin: germline.
Comment: The p.P146T variant (also known as c.436C>A), located in coding exon 5 of the COL1A1 gene, results from a C to A substitution at nucleotide position 436. The proline at codon 146 is replaced by threonine, an amino acid with highly similar properties. This alteration has been reported in an osteogenesis imperfecta (OI) cohort (Bodian DL et al. Hum Mol Genet, 2009 Feb;18:463-71). This amino acid position is highly conserved in available vertebrate species. In addition, the in silico prediction for this alteration is inconclusive. Based on the available evidence, the clinical significance of this variant remains unclear.

GeneDx
Classification: Uncertain significance. Last evaluated: 2024-06-22. Review status: criteria provided, single submitter. Criteria: GeneDx Variant Classification Process June 2021. Collection method: clinical testing. Allele origin: germline. Affected: yes.
Comment: Reported in a patient with osteogenesis imperfecta; of note, this patient also harbored a COL1A1 pathogenic variant (PMID: 18996919); Observed in a patient with the diagnosis of classical EDS; however, no additional phenotypic or segregation data were available for review (PMID: 28748566); Reported in two individuals with bleeding diathesis and hypermobility (PMID: 33161638); Not observed at significant frequency in large population cohorts (gnomAD); In silico analysis supports that this missense variant has a deleterious effect on protein structure/function; Not located in the triple helical region, where the majority of pathogenic missense variants occur (HGMD); This variant is associated with the following publications: (PMID: 33161638, 18996919, 28748566)

Blueprint Genetics
Classification: Uncertain significance. Last evaluated: 2024-05-20. Review status: criteria provided, single submitter. Criteria: ACMG Guidelines, 2015. Collection method: clinical testing. Allele origin: germline.

Literature cited by the submitters: PubMed 18996919 (cited by Mayo Clinic Laboratories, Mayo Clinic and Ambry Genetics); PubMed 28748566 (cited by Mayo Clinic Laboratories, Mayo Clinic); PubMed 33161638 (cited by Mayo Clinic Laboratories, Mayo Clinic).

NM_000088.4(COL1A1):c.436C>A (p.Pro146Thr)

Gene: COL1A1 (collagen type I alpha 1 chain; minus strand). Cytogenetic location: 17q21.33.
Variant type: single nucleotide variant.
Coding change: c.436C>A on transcript NM_000088.4 (MANE Select); coding-DNA position 436, C replaced by A.
Protein change: p.Pro146Thr; replaces proline 146 with threonine.
Molecular consequence: missense variant.
Genome position (GRCh38, 1-based): chr17:50,199,261, G>T on the plus strand (C>A on the coding strand, the complement: COL1A1 is on the minus strand). VCF-style: chr17-50199261-G-T. GRCh37 (hg19) VCF-style: chr17-48276622-G-T.
Other names: p.Pro146Thr; short protein forms P146T.
Identifiers: ClinVar variation 636816 (VCV000636816.17), dbSNP rs756846639, ClinGen allele CA8645701.